The following is an entry in ClinVar:

NM_000284.4(PDHA1):c.968_976del (p.Arg323_Val325del)

Gene: PDHA1 (pyruvate dehydrogenase E1 subunit alpha 1; plus strand). Cytogenetic location: Xp22.12.
Variant type: Deletion.
Coding change: c.968_976del on transcript NM_000284.4 (MANE Select); coding-DNA positions 968 to 976, 9 bases deleted (GGATGGTGA; older notation c.968_976delGGATGGTGA).
Protein change: p.Arg323_Val325del.
Molecular consequence: inframe deletion.
Genome position (GRCh38, 1-based): chrX:19,358,984-19,358,992, GGATGGTGA deleted; deleting any 9 consecutive bases within chrX:19,358,983-19,358,992 gives the same sequence; the c. name uses the placement nearest the transcript's 3' end. VCF-style (leftmost placement, unchanged base first): chrX-19358982-CAGGATGGTG-C. GRCh37 (hg19) VCF-style: chrX-19377100-CAGGATGGTG-C.
Other names: c.1082_1090del, p.Arg361_Val363del (NM_001173454.2); c.989_997del, p.Arg330_Val332del (NM_001173455.2); c.875_883del, p.Arg292_Val294del (NM_001173456.2).
Identifiers: ClinVar variation 4070417 (VCV004070417.1).

ClinVar aggregate classification (germline): Likely pathogenic (0 of 4 stars; one submission).

Conditions:
Pyruvate dehydrogenase E1-alpha deficiency (PDHAD). Also called: ATAXIA, INTERMITTENT, WITH PYRUVATE DEHYDROGENASE DEFICIENCY; ATAXIA WITH LACTIC ACIDOSIS I; ATAXIA, INTERMITTENT, WITH ABNORMAL PYRUVATE METABOLISM; Ataxia, intermittent, with pyruvate dehydrogenase, or decarboxylase, deficiency. Identifiers: Orphanet 79243, MedGen C1839413, MONDO:0010717, OMIM 312170.

Submission:

PDHA1 Study Group, University Children’s Hospital, Paracelsus Medical University
Classification: Likely pathogenic for Pyruvate dehydrogenase E1-alpha deficiency. Last evaluated: 2024-10-15. Review status: no assertion criteria provided. Collection method: research. Allele origin: de novo. Affected: yes. Observed: 1 variant allele.
Comment: The NM_000284.3:c.968_976del (p.Arg323_Val325del) change is a deletion-insertion (delins) variant in PDHA1 gene. Among them, 1 case had confirmed de novo occurrence. Last literature search: July 12, 2024. This variant is absent or extremely rare in population-based cohorts in the Genome Aggregation Database (gnomAD). Individuals harboring this variant presented with clinical features compatible with PDHA1-related PDHc deficiency. In summary, this variant meets criteria to be classified as likely pathogenic (LP) for PDHA1-related PDHc deficiency based on the ACMG/AMP criteria applied: PS2, PM2, PM4, PP3 (last assessment October 15, 2024).

Literature cited by the submitters: DOI 10.1093/brain/awaf430.